The following is an entry in ClinVar:

ClinVar aggregate classification (germline): Pathogenic (1 of 4 stars; one submission).

Submission:

CeGaT Center for Human Genetics Tuebingen
Classification: Pathogenic. Last evaluated: 2026-05-01. Review status: criteria provided, single submitter. Criteria: CeGaT Center For Human Genetics Tuebingen Variant Classification Criteria Version 2. Collection method: clinical testing. Allele origin: germline. Affected: yes. Observed: 1 variant allele.
Comment: SYNE1: PVS1, PM2

NM_182961.4(SYNE1):c.18849del (p.Met6284fs)

Gene: SYNE1 (spectrin repeat containing nuclear envelope protein 1; minus strand). Cytogenetic location: 6q25.2.
Variant type: Deletion.
Coding change: c.18849del on transcript NM_182961.4 (MANE Select); coding-DNA position 18849, one base deleted (G; older notation c.18849delG).
Protein change: p.Met6284fs; shifts the reading frame from methionine 6284.
Molecular consequence: frameshift variant.
Genome position (GRCh38, 1-based): chr6:152,262,155, C deleted on the plus strand (G on the coding strand, the reverse complement: SYNE1 is on the minus strand); the first of 4 consecutive C bases (chr6:152,262,155-152,262,158); deleting any one gives the same sequence. VCF-style (leftmost placement, unchanged base first): chr6-152262154-TC-T. GRCh37 (hg19) VCF-style: chr6-152583289-TC-T.
Other names: c.18636del, p.Met6213fs (NM_033071.5); short protein forms M6213fs, M6284fs.
Identifiers: ClinVar variation 4874892 (VCV004874892.2).